The following is an entry in ClinVar:

NM_001083962.2(TCF4):c.723G>A (p.Met241Ile)

Gene: TCF4 (transcription factor 4; minus strand). Cytogenetic location: 18q21.2.
Variant type: single nucleotide variant.
Coding change: c.723G>A on transcript NM_001083962.2 (MANE Select); coding-DNA position 723, G replaced by A.
Protein change: p.Met241Ile; replaces methionine 241 with isoleucine.
Molecular consequence: missense variant.
Genome position (GRCh38, 1-based): chr18:55,275,685, C>T on the plus strand (G>A on the coding strand, the complement: TCF4 is on the minus strand). VCF-style: chr18-55275685-C-T. GRCh37 (hg19) VCF-style: chr18-52942916-C-T.
Other names: c.1029G>A, p.Met343Ile (NM_001243226.3); c.651G>A, p.Met217Ile (NM_001243227.2, NM_001306207.1, NM_001369577.1 and 9 more transcripts); c.741G>A, p.Met247Ile (NM_001243228.2); c.717G>A, p.Met239Ile (NM_001243230.2); c.597G>A, p.Met199Ile (NM_001243231.2, NM_001348211.2); c.510G>A, p.Met170Ile (NM_001243232.1, NM_001306208.1); c.333G>A, p.Met111Ile (NM_001243233.2, NM_001330605.3, NM_001348212.2 and 1 more transcripts); c.243G>A, p.Met81Ile (NM_001243234.2, NM_001243235.2, NM_001243236.2 and 2 more transcripts); and 4 more; short protein forms M170I, M81I, M199I, M241I, M111I, M217I, M239I, M240I.
Identifiers: ClinVar variation 2743212 (VCV002743212.3), dbSNP rs1418103880, ClinGen allele CA402701540.
Genomic context (GRCh38, chr18:55,275,685, plus strand): 5'-TTCATGTGGATGCAGGCTACAGTAGCTGCTGGACTGTGGAATATGAGAAGAGTTGCCCAA[C>T]ATTCCTGCATAGCCAGGCTGATTCATCCCACTGGAGGAGCTCCAAGGGTCACTGCTGTGA-3'
Protein context (NP_001077431.1, residues 231-251): SGMNQPGYAG[Met241Ile]LGNSSHIPQS

ClinVar aggregate classification (germline): Uncertain significance (1 of 4 stars; one submission).

Conditions:
Pitt-Hopkins syndrome (PTHS). Also called: ENCEPHALOPATHY, SEVERE EPILEPTIC, WITH AUTONOMIC DYSFUNCTION; MENTAL RETARDATION, SYNDROMAL, WITH INTERMITTENT HYPERVENTILATION. Identifiers: Orphanet 2896, MedGen C1970431, MONDO:0012589, OMIM 610954.

Allele frequency attached by ClinVar (database versions not stated): gnomAD exomes below 0.00001.
gnomAD v4.1: 2 of 1,613,952 alleles (0.00012%); highest among the groups gnomAD compares: South Asian, 0.0011%; no homozygotes.

Submission:

Labcorp Genetics (formerly Invitae), Labcorp
Classification: Uncertain significance for Pitt-Hopkins syndrome. Last evaluated: 2024-04-18. Review status: criteria provided, single submitter. Criteria: Invitae Variant Classification Sherloc (09022015). Collection method: clinical testing. Allele origin: germline.
Comment: This sequence change replaces methionine, which is neutral and non-polar, with isoleucine, which is neutral and non-polar, at codon 241 of the TCF4 protein (p.Met241Ile). This variant is present in population databases (no rsID available, gnomAD 0.003%). This variant has not been reported in the literature in individuals affected with TCF4-related conditions. Advanced modeling of protein sequence and biophysical properties (such as structural, functional, and spatial information, amino acid conservation, physicochemical variation, residue mobility, and thermodynamic stability) performed at Invitae indicates that this missense variant is not expected to disrupt TCF4 protein function with a negative predictive value of 95%. In summary, the available evidence is currently insufficient to determine the role of this variant in disease. Therefore, it has been classified as a Variant of Uncertain Significance.